The following is an entry in ClinVar:

NM_002775.5(HTRA1):c.879C>T (p.Thr293=)

Gene: HTRA1 (HtrA serine peptidase 1; plus strand). Cytogenetic location: 10q26.13.
Variant type: single nucleotide variant.
Coding change: c.879C>T on transcript NM_002775.5 (MANE Select); coding-DNA position 879, C replaced by T.
Protein change: p.Thr293=; no amino-acid change (threonine 293 retained).
Molecular consequence: synonymous variant.
Genome position (GRCh38, 1-based): chr10:122,506,792, C>T. VCF-style: chr10-122506792-C-T. GRCh37 (hg19) VCF-style: chr10-124266308-C-T.
Other names: p.Thr293=.
Identifiers: ClinVar variation 299051 (VCV000299051.62), dbSNP rs149294320, ClinGen allele CA5725957.

ClinVar aggregate classification (germline): Benign/Likely benign. Review status: criteria provided, multiple submitters, no conflicts (2 of 4 stars). 8 submissions from 8 submitters: Benign (2); Likely benign (5). 1 of the submissions does not count toward it. Last evaluated 2026-01-12.

Conditions:
Macular degeneration. Also called: Degenerative disorder of macula. Identifiers: MedGen C0024437, MONDO:0003004, HP:0000608.

Allele frequency attached by ClinVar (database versions not stated): 1000 Genomes Project 30x 0.00031; 1000 Genomes Project 0.00040; gnomAD 0.00207; ExAC 0.00256; gnomAD exomes 0.00265; TOPMed 0.00312; ESP Exome Variant Server 0.00507.
gnomAD v4.1: 6,987 of 1,613,890 alleles (0.43%); highest among the groups gnomAD compares: Non-Finnish European, 0.54%; 18 homozygotes.

Submissions (8):

Labcorp Genetics (formerly Invitae), Labcorp
Classification: Benign. Last evaluated: 2026-01-12. Review status: criteria provided, single submitter. Criteria: Invitae Variant Classification Sherloc (09022015). Collection method: clinical testing. Allele origin: germline.

CeGaT Center for Human Genetics Tuebingen
Classification: Likely benign. Last evaluated: 2025-10-01. Review status: criteria provided, single submitter. Criteria: CeGaT Center For Human Genetics Tuebingen Variant Classification Criteria Version 2. Collection method: clinical testing. Allele origin: germline. Affected: yes. Observed: 13 variant alleles.
Comment: HTRA1: BP4, BS2

Mayo Clinic Laboratories, Mayo Clinic
Classification: Likely benign. Last evaluated: 2025-01-27. Review status: criteria provided, single submitter. Criteria: ACMG Guidelines, 2015. Collection method: clinical testing. Allele origin: germline. Observed: 8 variant alleles.
Comment: BS1, BP4, BP7

Blueprint Genetics
Classification: Likely benign. Last evaluated: 2024-11-27. Review status: criteria provided, single submitter. Criteria: ACMG Guidelines, 2015. Collection method: clinical testing. Allele origin: germline.

Athena Diagnostics
Classification: Benign. Last evaluated: 2020-02-19. Review status: criteria provided, single submitter. Criteria: Athena Diagnostics Criteria. Collection method: clinical testing. Allele origin: unknown.

Illumina Laboratory Services, Illumina
Classification: Likely benign for Macular degeneration. Last evaluated: 2018-01-12. Review status: criteria provided, single submitter. Criteria: ICSL Variant Classification Criteria 13 December 2019. Collection method: clinical testing. Allele origin: germline.
Comment: This variant was observed in the ICSL laboratory as part of a predisposition screen in an ostensibly healthy population. It had not been previously curated by ICSL or reported in the Human Gene Mutation Database (HGMD: prior to June 1st, 2018), and was therefore a candidate for classification through an automated scoring system. Utilizing variant allele frequency, disease prevalence and penetrance estimates, and inheritance mode, an automated score was calculated to assess if this variant is too frequent to cause the disease. Based on the score and internal cut-off values, a variant classified as likely benign is not then subjected to further curation. The score for this variant resulted in a classification of likely benign for this disease.

Breakthrough Genomics
Classification: Likely benign. Review status: criteria provided, single submitter. Criteria: ACMG Guidelines, 2015. Collection method: not provided. Allele origin: germline. Inheritance: Autosomal recessive inheritance. Affected: yes.

Clinical Genetics DNA and cytogenetics Diagnostics Lab, Erasmus MC, Erasmus Medical Center
Classification: Likely benign. Review status: no assertion criteria provided. Collection method: clinical testing. Allele origin: germline. Affected: yes. Study: VKGL Data-share Consensus. Not counted in ClinVar's aggregate classification.